The following is an entry in ClinVar:

ClinVar aggregate classification (germline): Likely pathogenic (0 of 4 stars; one submission).

Allele frequency attached by ClinVar (database versions not stated): gnomAD exomes below 0.00001; TOPMed 0.00001; gnomAD 0.00002.
gnomAD v4.1: 6 of 1,613,904 alleles (0.00037%); highest among the groups gnomAD compares: African/African-American, 0.0053%; no homozygotes.

Submission:

Center for Medical Genetics, Keio University School of Medicine
Classification: Likely pathogenic. Last evaluated: 2023-12-25. Review status: no assertion criteria provided. Collection method: clinical testing. Allele origin: germline. Inheritance: Autosomal recessive inheritance. Affected: yes. Observed: 1 compound heterozygote.
Comment: No functional analysis has been performed on this variant, but it is a frameshift and a predicted loss of function.

NM_001323572.2(CCP110):c.1129C>T (p.Arg377Ter)

Gene: CCP110 (centriolar coiled-coil protein 110; plus strand). Cytogenetic location: 16p12.3.
Variant type: single nucleotide variant.
Coding change: c.1129C>T on transcript NM_001323572.2 (MANE Select); coding-DNA position 1129, C replaced by T.
Protein change: p.Arg377Ter; replaces arginine 377 with a stop codon.
Molecular consequence: nonsense.
Genome position (GRCh38, 1-based): chr16:19,536,798, C>T. VCF-style: chr16-19536798-C-T. GRCh37 (hg19) VCF-style: chr16-19548120-C-T.
Other names: p.(Arg377*); c.1129C>T, p.Arg377Ter (NM_001199022.3, NM_001323569.2, NM_001323570.2 and 4 more transcripts); short protein forms R377*.
Identifiers: ClinVar variation 2681148 (VCV002681148.2), dbSNP rs1401990024.